The following is an entry in ClinVar:

NM_000051.4(ATM):c.2551G>A (p.Asp851Asn)

Gene: ATM (ATM serine/threonine kinase; plus strand). Cytogenetic location: 11q22.3.
Variant type: single nucleotide variant.
Coding change: c.2551G>A on transcript NM_000051.4 (MANE Select); coding-DNA position 2551, G replaced by A.
Protein change: p.Asp851Asn; replaces aspartic acid 851 with asparagine.
Molecular consequence: missense variant.
Genome position (GRCh38, 1-based): chr11:108,267,255, G>A. VCF-style: chr11-108267255-G-A. GRCh37 (hg19) VCF-style: chr11-108137982-G-A.
Other names: c.2551G>A, p.Asp851Asn (NM_001351834.2); short protein forms D851N.
Identifiers: ClinVar variation 481317 (VCV000481317.17), dbSNP rs1555082218, ClinGen allele CA382543715.

ClinVar aggregate classification (germline): Uncertain significance. Review status: criteria provided, multiple submitters, no conflicts (2 of 4 stars). 2 submissions from 2 submitters: Uncertain significance (2). Last evaluated 2025-05-22.

Conditions:
Hereditary cancer-predisposing syndrome. Also called: Hereditary neoplastic syndrome; Neoplastic Syndromes, Hereditary; Tumor predisposition; Hereditary Cancer Syndrome. Identifiers: Orphanet 140162, MedGen C0027672, MeSH D009386, MONDO:0015356.
Ataxia-telangiectasia syndrome (AT). Also called: LOUIS-BAR SYNDROME; Cerebello-oculocutaneous telangiectasia; Immunodeficiency with ataxia telangiectasia; AT, COMPLEMENTATION GROUP C; Ataxia-telangiectasia, complementation group D; ATAXIA-TELANGIECTASIA, COMPLEMENTATION GROUP A. Identifiers: Orphanet 100, MedGen C0004135, MONDO:0008840, OMIM 208900.

Submissions (2):

Ambry Genetics
Classification: Uncertain significance for Hereditary cancer-predisposing syndrome. Last evaluated: 2025-05-22. Review status: criteria provided, single submitter. Criteria: Ambry Variant Classification Scheme 2023. Collection method: clinical testing. Allele origin: germline.
Comment: The p.D851N variant (also known as c.2551G>A), located in coding exon 16 of the ATM gene, results from a G to A substitution at nucleotide position 2551. The aspartic acid at codon 851 is replaced by asparagine, an amino acid with highly similar properties. This amino acid position is well conserved in available vertebrate species; however, asparagine is the reference amino acid in other vertebrate species. In addition, this alteration is predicted to be tolerated by in silico analysis. Since supporting evidence is limited at this time, the clinical significance of this alteration remains unclear.

Labcorp Genetics (formerly Invitae), Labcorp
Classification: Uncertain significance for Ataxia-telangiectasia syndrome. Last evaluated: 2023-08-04. Review status: criteria provided, single submitter. Criteria: Invitae Variant Classification Sherloc (09022015). Collection method: clinical testing. Allele origin: germline.
Comment: This sequence change replaces aspartic acid, which is acidic and polar, with asparagine, which is neutral and polar, at codon 851 of the ATM protein (p.Asp851Asn). This variant is not present in population databases (gnomAD no frequency). This variant has not been reported in the literature in individuals affected with ATM-related conditions. ClinVar contains an entry for this variant (Variation ID: 481317). Algorithms developed to predict the effect of missense changes on protein structure and function output the following: SIFT: "Not Available"; PolyPhen-2: "Benign"; Align-GVGD: "Not Available". The asparagine amino acid residue is found in multiple mammalian species, which suggests that this missense change does not adversely affect protein function. In summary, the available evidence is currently insufficient to determine the role of this variant in disease. Therefore, it has been classified as a Variant of Uncertain Significance.